The following is an entry in ClinVar:

ClinVar aggregate classification (germline): Benign/Likely benign. Review status: criteria provided, multiple submitters, no conflicts (2 of 4 stars). 3 submissions from 3 submitters: Benign (1); Likely benign (2). Last evaluated 2024-05-13.

Conditions:
Hereditary cancer-predisposing syndrome. Also called: Hereditary Cancer Syndrome; Neoplastic Syndromes, Hereditary; Tumor predisposition; Hereditary neoplastic syndrome. Identifiers: Orphanet 140162, MedGen C0027672, MeSH D009386, MONDO:0015356.
Familial cancer of breast. Also called: Hereditary breast cancer; BREAST CANCER, FAMILIAL; hereditary breast carcinoma. Identifiers: Orphanet 227535, MedGen C0346153, MONDO:0016419, OMIM 114480. Disease mechanism: loss of function.

Submissions (3):

Myriad Genetics, Inc.
Classification: Benign for Familial cancer of breast. Last evaluated: 2024-05-13. Review status: criteria provided, single submitter. Criteria: Myriad Autosomal Dominant, Autosomal Recessive and X-Linked Classification Criteria (2023). Collection method: clinical testing. Allele origin: unknown.
Comment: This variant is considered benign. This variant is a silent/synonymous amino acid change and it is not expected to impact splicing.

Ambry Genetics
Classification: Likely benign for Hereditary cancer-predisposing syndrome. Last evaluated: 2020-08-31. Review status: criteria provided, single submitter. Criteria: Ambry Variant Classification Scheme 2023. Collection method: clinical testing. Allele origin: germline.

Color Diagnostics, LLC DBA Color Health
Classification: Likely benign for Hereditary cancer-predisposing syndrome. Last evaluated: 2017-10-16. Review status: criteria provided, single submitter. Criteria: ACMG Guidelines, 2015. Collection method: clinical testing. Allele origin: germline.

NM_000051.4(ATM):c.3147G>A (p.Leu1049=)

Gene: ATM (ATM serine/threonine kinase; plus strand). Cytogenetic location: 11q22.3.
Variant type: single nucleotide variant.
Coding change: c.3147G>A on transcript NM_000051.4 (MANE Select); coding-DNA position 3147, G replaced by A.
Protein change: p.Leu1049=; no amino-acid change (leucine 1049 retained).
Molecular consequence: synonymous variant.
Genome position (GRCh38, 1-based): chr11:108,272,601, G>A. VCF-style: chr11-108272601-G-A. GRCh37 (hg19) VCF-style: chr11-108143328-G-A.
Other names: c.3147G>A, p.Leu1049= (NM_001351834.2).
Identifiers: ClinVar variation 490518 (VCV000490518.6), dbSNP rs1060501686, ClinGen allele CA476744800.